The following is an entry in ClinVar:

ClinVar aggregate classification (germline): Conflicting classifications of pathogenicity. Review status: criteria provided, conflicting classifications (1 of 4 stars). 2 submissions from 2 submitters: Uncertain significance (1); Likely benign (1). Last evaluated 2026-01-08.

Conditions:
USP53-related disorder. Also called: USP53-related condition.

gnomAD v4.1: 840 of 1,613,930 alleles (0.052%); highest among the groups gnomAD compares: Middle Eastern, 0.38%; 2 homozygotes.

Submissions (2):

PreventionGenetics, part of Exact Sciences
Classification: Likely benign for USP53-related condition. Last evaluated: 2026-01-08. Review status: criteria provided, single submitter. Criteria: ACMG Guidelines, 2015. Collection method: clinical testing. Allele origin: germline.
Comment: This variant is classified as likely benign based on ACMG/AMP sequence variant interpretation guidelines (Richards et al. 2015 PMID: 25741868, with internal and published modifications).

Labcorp Genetics (formerly Invitae), Labcorp
Classification: Uncertain significance. Last evaluated: 2025-12-18. Review status: criteria provided, single submitter. Criteria: Invitae Variant Classification Sherloc (09022015). Collection method: clinical testing. Allele origin: germline.
Comment: This sequence change replaces alanine, which is neutral and non-polar, with valine, which is neutral and non-polar, at codon 121 of the USP53 protein (p.Ala121Val). This variant is present in population databases (rs138336905, gnomAD 0.1%), including at least one homozygous and/or hemizygous individual. This variant has not been reported in the literature in individuals affected with USP53-related conditions. Invitae Evidence Modeling of protein sequence and biophysical properties (such as structural, functional, and spatial information, amino acid conservation, physicochemical variation, residue mobility, and thermodynamic stability) indicates that this missense variant is expected to disrupt USP53 protein function with a positive predictive value of 80%. In summary, the available evidence is currently insufficient to determine the role of this variant in disease. Therefore, it has been classified as a Variant of Uncertain Significance.

NM_001371395.1(USP53):c.362C>T (p.Ala121Val)

Gene: USP53 (ubiquitin specific peptidase 53; plus strand). Cytogenetic location: 4q26.
Variant type: single nucleotide variant.
Coding change: c.362C>T on transcript NM_001371395.1 (MANE Select); coding-DNA position 362, C replaced by T.
Protein change: p.Ala121Val; replaces alanine 121 with valine.
Molecular consequence: missense variant.
Genome position (GRCh38, 1-based): chr4:119,248,872, C>T. VCF-style: chr4-119248872-C-T. GRCh37 (hg19) VCF-style: chr4-120170027-C-T.
Other names: c.362C>T, p.Ala121Val (NM_001371396.1, NM_001371397.1, NM_001371398.1 and 6 more transcripts); c.14C>T, p.Ala5Val (NM_001389662.1, NM_001389663.1, NM_001389664.1 and 3 more transcripts); c.362C>T (NM_019050.2); short protein forms A121V, A5V.
Identifiers: ClinVar variation 4801423 (VCV004801423.2).